The following is an entry in ClinVar:

NM_001690.4(ATP6V1A):c.635G>A (p.Arg212His)

Gene: ATP6V1A (ATPase H+ transporting V1 subunit A; plus strand). Cytogenetic location: 3q13.31.
Variant type: single nucleotide variant.
Coding change: c.635G>A on transcript NM_001690.4 (MANE Select); coding-DNA position 635, G replaced by A.
Protein change: p.Arg212His; replaces arginine 212 with histidine.
Molecular consequence: missense variant.
Genome position (GRCh38, 1-based): chr3:113,786,302, G>A. VCF-style: chr3-113786302-G-A. GRCh37 (hg19) VCF-style: chr3-113505149-G-A.
Other names: short protein forms R212H.
Identifiers: ClinVar variation 3898259 (VCV003898259.7).
Genomic context (GRCh38, chr3:113,786,302, plus strand): 5'-TGGAGCTTGAATTTGAAGGTGTAAAGGAGAAGTTCACCATGGTGCAAGTATGGCCTGTAC[G>A]TCAAGTTCGACCTGTCACTGAGAAGCTGCCAGCCAATCATCCTCTGTTGACTGGCCAGAG-3'
Protein context (NP_001681.2, residues 202-222): KFTMVQVWPV[Arg212His]QVRPVTEKLP

ClinVar aggregate classification (germline): Uncertain significance (1 of 4 stars; one submission).

gnomAD v4.1: 2 of 1,613,148 alleles (0.00012%); highest among the groups gnomAD compares: Non-Finnish European, 0.00017%; no homozygotes.

Submission:

CeGaT Center for Human Genetics Tuebingen
Classification: Uncertain significance. Last evaluated: 2025-04-01. Review status: criteria provided, single submitter. Criteria: CeGaT Center For Human Genetics Tuebingen Variant Classification Criteria Version 2. Collection method: clinical testing. Allele origin: germline. Affected: yes. Observed: 1 variant allele.
Comment: ATP6V1A: PM5